The following is an entry in ClinVar:

NM_002225.5(IVD):c.878+1G>A

Gene: IVD (isovaleryl-CoA dehydrogenase; plus strand). Cytogenetic location: 15q15.1.
Variant type: single nucleotide variant.
Coding change: c.878+1G>A on transcript NM_002225.5 (MANE Select); the canonical splice donor site of the intron after coding-DNA position 878, G replaced by A.
Molecular consequence: splice donor variant.
Genome position (GRCh38, 1-based): chr15:40,414,983, G>A. VCF-style: chr15-40414983-G-A. GRCh37 (hg19) VCF-style: chr15-40707182-G-A.
Other names: c.965+1G>A (NM_001354600.3, NM_001354599.3); c.878+1G>A (NM_001354598.3, NM_001354601.3); c.830+1G>A (NM_001354597.3); c.788+1G>A (NM_001159508.3).
Identifiers: ClinVar variation 552128 (VCV000552128.11), dbSNP rs745629936, ClinGen allele CA268780753.
Genomic context (GRCh38, chr15:40,414,983, plus strand): 5'-CTACGTGCTGATGAGTGGGCTGGACCTGGAGCGGCTGGTGCTGGCCGGGGGGCCTCTTGG[G>A]TAAGTGTGAGAGGCTTGAGGGAAGCTGGGCTCTGTCGGCCTCCTCGGCAGGTGACCCACC-3'

ClinVar aggregate classification (germline): Likely pathogenic. Review status: criteria provided, multiple submitters, no conflicts (2 of 4 stars). 3 submissions from 3 submitters: Likely pathogenic (2). 1 of the submissions does not count toward it. Last evaluated 2025-09-22.

Conditions:
Isovaleryl-CoA dehydrogenase deficiency (IVA). Also called: Classic Isovaleric Acidemia; ISOVALERIC ACID CoA DEHYDROGENASE DEFICIENCY; Isovaleric acidemia; IVD DEFICIENCY. Identifiers: Orphanet 33, MedGen C0268575, MONDO:0009475, OMIM 243500.

Allele frequency attached by ClinVar (database versions not stated): gnomAD exomes 0.00001.

Submissions (3):

Natera, Inc.
Classification: Likely pathogenic for Isovaleryl-coa dehydrogenase deficiency. Last evaluated: 2025-09-22. Review status: criteria provided, single submitter. Criteria: Natera Variant Classification Schema (03/2026). Collection method: clinical testing. Allele origin: germline.
Comment: The c.887+1G>A variant in IVD is a canonical splice donor site variant predicted to affect pre-mRNA splicing, which may result in an abnormal transcript and altered protein product. This variant is expected to result in nonsense mediated decay, truncation, or a dysfunctional protein product. This variant is rare in the general population with a frequency below the threshold expected for the associated phenotype(s). Given the available evidence, this variant is classified as Likely Pathogenic.

Labcorp Genetics (formerly Invitae), Labcorp
Classification: Likely pathogenic for Isovaleryl-CoA dehydrogenase deficiency. Last evaluated: 2021-05-01. Review status: criteria provided, single submitter. Criteria: Invitae Variant Classification Sherloc (09022015). Collection method: clinical testing. Allele origin: germline.
Comment: Algorithms developed to predict the effect of sequence changes on RNA splicing suggest that this variant may disrupt the consensus splice site, but this prediction has not been confirmed by published transcriptional studies. This variant has not been reported in the literature in individuals with IVD-related conditions. ClinVar contains an entry for this variant (Variation ID: 552128). In summary, the currently available evidence indicates that the variant is pathogenic, but additional data are needed to prove that conclusively. Therefore, this variant has been classified as Likely Pathogenic. This sequence change affects a donor splice site in intron 8 of the IVD gene. It is expected to disrupt RNA splicing. Variants that disrupt the donor or acceptor splice site typically lead to a loss of protein function (PMID: 16199547), and loss-of-function variants in IVD are known to be pathogenic (PMID: 16602101). This variant is not present in population databases (ExAC no frequency).

Counsyl
Classification: Likely pathogenic for Isovaleryl-CoA dehydrogenase deficiency. Last evaluated: 2017-05-23. Review status: no assertion criteria provided. Collection method: clinical testing. Allele origin: unknown. Not counted in ClinVar's aggregate classification.

Literature cited by the submitters: PubMed 16199547 (cited by Labcorp Genetics (formerly Invitae), Labcorp); PubMed 16602101 (cited by Labcorp Genetics (formerly Invitae), Labcorp).